The following is an entry in ClinVar:

ClinVar aggregate classification (germline): Uncertain significance (1 of 4 stars; one submission).

Conditions:
Gastrointestinal stromal tumor. Also called: Gastrointestinal stromal tumor, somatic; Gastrointestinal stroma tumor. Identifiers: Orphanet 44890, MedGen C0238198, MeSH D046152, MONDO:0011719, OMIM 606764, HP:0100723.

Allele frequency attached by ClinVar (database versions not stated): gnomAD exomes below 0.00001.
gnomAD v4.1: 1 of 1,613,962 alleles (0.000062%); highest among the groups gnomAD compares: Non-Finnish European, 0.000085%; no homozygotes.

Submission:

Labcorp Genetics (formerly Invitae), Labcorp
Classification: Uncertain significance for Gastrointestinal stromal tumor. Last evaluated: 2023-09-14. Review status: criteria provided, single submitter. Criteria: Invitae Variant Classification Sherloc (09022015). Collection method: clinical testing. Allele origin: germline.
Comment: In summary, the available evidence is currently insufficient to determine the role of this variant in disease. Therefore, it has been classified as a Variant of Uncertain Significance. An algorithm developed to predict the effect of missense changes on protein structure and function (PolyPhen-2) suggests that this variant is likely to be disruptive. This variant has not been reported in the literature in individuals affected with KIT-related conditions. This variant is not present in population databases (gnomAD no frequency). This sequence change replaces proline, which is neutral and non-polar, with serine, which is neutral and polar, at codon 838 of the KIT protein (p.Pro838Ser).

NM_000222.3(KIT):c.2512C>T (p.Pro838Ser)

Gene: KIT (KIT proto-oncogene, receptor tyrosine kinase; plus strand). Cytogenetic location: 4q12.
Variant type: single nucleotide variant.
Coding change: c.2512C>T on transcript NM_000222.3 (MANE Select); coding-DNA position 2512, C replaced by T.
Protein change: p.Pro838Ser; replaces proline 838 with serine.
Molecular consequence: missense variant.
Genome position (GRCh38, 1-based): chr4:54,736,525, C>T. VCF-style: chr4-54736525-C-T. GRCh37 (hg19) VCF-style: chr4-55602691-C-T.
Other names: c.2500C>T, p.Pro834Ser (NM_001093772.2, NM_001385292.1); c.2515C>T, p.Pro839Ser (NM_001385284.1); c.2509C>T, p.Pro837Ser (NM_001385285.1); c.2497C>T, p.Pro833Ser (NM_001385286.1); c.2503C>T, p.Pro835Ser (NM_001385288.1); c.2512C>T, p.Pro838Ser (NM_001385290.1); short protein forms P834S, P837S, P838S, P833S, P839S, P835S.
Identifiers: ClinVar variation 2914715 (VCV002914715.3), dbSNP rs2109811068, ClinGen allele CA356913014.
Genomic context (GRCh38, chr4:54,736,525, plus strand): 5'-AACATTATTGACTCTGTTGTGCTTCTATTACAGGCTCGACTACCTGTGAAGTGGATGGCA[C>T]CTGAAAGCATTTTCAACTGTGTATACACGTTTGAAAGTGACGTCTGGTCCTATGGGATTT-3'
Protein context (NP_000213.1, residues 828-848): NARLPVKWMA[Pro838Ser]ESIFNCVYTF